The following is an entry in ClinVar:

NM_002691.4(POLD1):c.1081G>T (p.Ala361Ser)

Gene: POLD1 (DNA polymerase delta 1, catalytic subunit; plus strand). Cytogenetic location: 19q13.33.
Variant type: single nucleotide variant.
Coding change: c.1081G>T on transcript NM_002691.4 (MANE Select); coding-DNA position 1081, G replaced by T.
Protein change: p.Ala361Ser; replaces alanine 361 with serine.
Molecular consequence: missense variant. On other transcripts: non-coding transcript variant (1).
Genome position (GRCh38, 1-based): chr19:50,403,163, G>T. VCF-style: chr19-50403163-G-T. GRCh37 (hg19) VCF-style: chr19-50906420-G-T.
Other names: c.1081G>T, p.Ala361Ser (NM_001256849.1, NM_001308632.1); short protein forms A361S.
Identifiers: ClinVar variation 2724871 (VCV002724871.3), dbSNP rs2513973748, ClinGen allele CA406978288.

ClinVar aggregate classification (germline): Uncertain significance (1 of 4 stars; one submission).

Conditions:
POLD1-related polyposis and colorectal cancer syndrome (CRCS10). Also called: Colorectal cancer 10; Colorectal cancer, susceptibility to, 10; COLORECTAL CANCER, SUSCEPTIBILITY TO, ON CHROMOSOME 19q. Identifiers: Orphanet 220460, MedGen C2675481, MONDO:0012953, OMIM 612591.

Submission:

Labcorp Genetics (formerly Invitae), Labcorp
Classification: Uncertain significance for POLD1-related polyposis and colorectal cancer syndrome. Last evaluated: 2023-06-22. Review status: criteria provided, single submitter. Criteria: Invitae Variant Classification Sherloc (09022015). Collection method: clinical testing. Allele origin: germline.
Comment: In summary, the available evidence is currently insufficient to determine the role of this variant in disease. Therefore, it has been classified as a Variant of Uncertain Significance. Advanced modeling of protein sequence and biophysical properties (such as structural, functional, and spatial information, amino acid conservation, physicochemical variation, residue mobility, and thermodynamic stability) performed at Invitae indicates that this missense variant is not expected to disrupt POLD1 protein function. This variant has not been reported in the literature in individuals affected with POLD1-related conditions. This variant is not present in population databases (gnomAD no frequency). This sequence change replaces alanine, which is neutral and non-polar, with serine, which is neutral and polar, at codon 361 of the POLD1 protein (p.Ala361Ser).